The following is an entry in ClinVar:

ClinVar aggregate classification (germline): Uncertain significance (1 of 4 stars; one submission).

Conditions:
Gastrointestinal stromal tumor. Also called: Gastrointestinal stromal tumor, somatic; Gastrointestinal stroma tumor. Identifiers: Orphanet 44890, MedGen C0238198, MeSH D046152, MONDO:0011719, OMIM 606764, HP:0100723.

Submission:

Labcorp Genetics (formerly Invitae), Labcorp
Classification: Uncertain significance for Gastrointestinal stromal tumor. Last evaluated: 2024-11-20. Review status: criteria provided, single submitter. Criteria: Invitae Variant Classification Sherloc (09022015). Collection method: clinical testing. Allele origin: germline.
Comment: This sequence change replaces glutamic acid, which is acidic and polar, with aspartic acid, which is acidic and polar, at codon 316 of the PDGFRA protein (p.Glu316Asp). This variant is not present in population databases (gnomAD no frequency). This variant has not been reported in the literature in individuals affected with PDGFRA-related conditions. Invitae Evidence Modeling of protein sequence and biophysical properties (such as structural, functional, and spatial information, amino acid conservation, physicochemical variation, residue mobility, and thermodynamic stability) indicates that this missense variant is not expected to disrupt PDGFRA protein function with a negative predictive value of 80%. In summary, the available evidence is currently insufficient to determine the role of this variant in disease. Therefore, it has been classified as a Variant of Uncertain Significance.

NM_006206.6(PDGFRA):c.948A>T (p.Glu316Asp)

Gene: PDGFRA (platelet derived growth factor receptor alpha; plus strand). Cytogenetic location: 4q12.
Variant type: single nucleotide variant.
Coding change: c.948A>T on transcript NM_006206.6 (MANE Select); coding-DNA position 948, A replaced by T.
Protein change: p.Glu316Asp; replaces glutamic acid 316 with aspartic acid.
Molecular consequence: missense variant.
Genome position (GRCh38, 1-based): chr4:54,267,568, A>T. VCF-style: chr4-54267568-A-T. GRCh37 (hg19) VCF-style: chr4-55133735-A-T.
Other names: c.948A>T, p.Glu316Asp (NM_001347827.2, NM_001347829.2); c.1023A>T, p.Glu341Asp (NM_001347828.2); c.987A>T, p.Glu329Asp (NM_001347830.2); short protein forms E316D, E341D, E329D.
Identifiers: ClinVar variation 3667261 (VCV003667261.2).